The following is an entry in ClinVar:

NM_003476.5(CSRP3):c.116C>G (p.Ala39Gly)

Gene: CSRP3 (cysteine and glycine rich protein 3; minus strand). Cytogenetic location: 11p15.1.
Variant type: single nucleotide variant.
Coding change: c.116C>G on transcript NM_003476.5 (MANE Select); coding-DNA position 116, C replaced by G.
Protein change: p.Ala39Gly; replaces alanine 39 with glycine.
Molecular consequence: missense variant. On other transcripts: intron variant (1).
Genome position (GRCh38, 1-based): chr11:19,188,301, G>C on the plus strand (C>G on the coding strand, the complement: CSRP3 is on the minus strand). VCF-style: chr11-19188301-G-C. GRCh37 (hg19) VCF-style: chr11-19209848-G-C.
Other names: c.116C>G (NM_003476.3); c.113-1953C>G (NM_001369404.1); short protein forms A39G.
Identifiers: ClinVar variation 968411 (VCV000968411.10), dbSNP rs748417030, ClinGen allele CA5916644.

ClinVar aggregate classification (germline): Uncertain significance. Review status: criteria provided, multiple submitters, no conflicts (2 of 4 stars). 2 submissions from 2 submitters: Uncertain significance (2). Last evaluated 2025-12-30.

Conditions:
Hypertrophic cardiomyopathy 12. Identifiers: MedGen C2677491, MONDO:0012804, OMIM 612124.
Dilated cardiomyopathy 1M (CMD1M). Identifiers: Orphanet 154, MedGen C1843808, MONDO:0011840, OMIM 607482.
Cardiovascular phenotype. Identifiers: MedGen CN230736.

Allele frequency attached by ClinVar (database versions not stated): ExAC 0.00002; gnomAD below 0.00001 and 0.00001; gnomAD exomes 0.00002.
gnomAD v4.1: 18 of 1,612,128 alleles (0.0011%); highest among the groups gnomAD compares: South Asian, 0.019%; no homozygotes.

Submissions (2):

Ambry Genetics
Classification: Uncertain significance for Cardiovascular phenotype. Last evaluated: 2025-12-30. Review status: criteria provided, single submitter. Criteria: Ambry Variant Classification Scheme 2023. Collection method: clinical testing. Allele origin: germline.
Comment: The p.A39G variant (also known as c.116C>G), located in coding exon 2 of the CSRP3 gene, results from a C to G substitution at nucleotide position 116. The alanine at codon 39 is replaced by glycine, an amino acid with similar properties. This amino acid position is conserved. In addition, the in silico prediction for this alteration is inconclusive. Based on the available evidence, the clinical significance of this variant remains unclear.

Labcorp Genetics (formerly Invitae), Labcorp
Classification: Uncertain significance for Hypertrophic cardiomyopathy 12; Dilated cardiomyopathy 1M. Last evaluated: 2025-10-26. Review status: criteria provided, single submitter. Criteria: Invitae Variant Classification Sherloc (09022015). Collection method: clinical testing. Allele origin: germline.
Comment: This sequence change replaces alanine, which is neutral and non-polar, with glycine, which is neutral and non-polar, at codon 39 of the CSRP3 protein (p.Ala39Gly). This variant is present in population databases (rs748417030, gnomAD 0.01%). This variant has not been reported in the literature in individuals affected with CSRP3-related conditions. ClinVar contains an entry for this variant (Variation ID: 968411). An algorithm developed to predict the effect of missense changes on protein structure and function (PolyPhen-2) suggests that this variant is likely to be tolerated. In summary, the available evidence is currently insufficient to determine the role of this variant in disease. Therefore, it has been classified as a Variant of Uncertain Significance.